The following is an entry in ClinVar:

NM_024422.6(DSC2):c.28T>C (p.Trp10Arg)

Genes: DSC2 (desmocollin 2; minus strand), DSCAS (DSC1/DSC2 antisense RNA; plus strand). Cytogenetic location: 18q12.1.
Variant type: single nucleotide variant.
Coding change: c.28T>C on transcript NM_024422.6 (MANE Select); coding-DNA position 28, T replaced by C.
Protein change: p.Trp10Arg; replaces tryptophan 10 with arginine.
Molecular consequence: missense variant.
Genome position (GRCh38, 1-based): chr18:31,101,944, A>G on the plus strand (T>C on the coding strand, the complement: DSC2 is on the minus strand). VCF-style: chr18-31101944-A-G. GRCh37 (hg19) VCF-style: chr18-28681907-A-G.
Other names: c.28T>C, p.Trp10Arg (NM_004949.5); short protein forms W10R.
Identifiers: ClinVar variation 926328 (VCV000926328.9), dbSNP rs1987977039, ClinGen allele CA402115284.

ClinVar aggregate classification (germline): Uncertain significance. Review status: criteria provided, multiple submitters, no conflicts (2 of 4 stars). 2 submissions from 2 submitters: Uncertain significance (2). Last evaluated 2025-03-16.

Conditions:
Cardiomyopathy (CMYO). Also called: Cardiomyopathies. Identifiers: Orphanet 167848, MedGen C0878544, MONDO:0004994, HP:0001638. Inheritance: Various modes of inheritance.
Arrhythmogenic right ventricular dysplasia 11. Also called: ARRHYTHMOGENIC RIGHT VENTRICULAR DYSPLASIA, FAMILIAL, 11; Arrhythmogenic Right Ventricular Dysplasia/Cardiomyopathy11; Arrhythmogenic right ventricular dysplasia 11 with mild palmoplantar keratoderma and woolly hair. Identifiers: MedGen C1864850, MONDO:0012506, OMIM 610476.

Submissions (2):

Labcorp Genetics (formerly Invitae), Labcorp
Classification: Uncertain significance for Arrhythmogenic right ventricular dysplasia 11. Last evaluated: 2025-03-16. Review status: criteria provided, single submitter. Criteria: Invitae Variant Classification Sherloc (09022015). Collection method: clinical testing. Allele origin: germline.
Comment: This sequence change replaces tryptophan, which is neutral and slightly polar, with arginine, which is basic and polar, at codon 10 of the DSC2 protein (p.Trp10Arg). This variant is not present in population databases (gnomAD no frequency). This variant has not been reported in the literature in individuals affected with DSC2-related conditions. ClinVar contains an entry for this variant (Variation ID: 926328). An algorithm developed to predict the effect of missense changes on protein structure and function outputs the following: PolyPhen-2: "Benign". The arginine amino acid residue is found in multiple mammalian species, which suggests that this missense change does not adversely affect protein function. In summary, the available evidence is currently insufficient to determine the role of this variant in disease. Therefore, it has been classified as a Variant of Uncertain Significance.

Color Diagnostics, LLC DBA Color Health
Classification: Uncertain significance for Cardiomyopathy. Last evaluated: 2024-03-06. Review status: criteria provided, single submitter. Criteria: ACMG Guidelines, 2015. Collection method: clinical testing. Allele origin: germline.
Comment: This missense variant replaces tryptophan with arginine at codon 10 of the DSC2 protein. Computational prediction tool suggests that this variant may not impact protein structure and function (internally defined REVEL score threshold <=0.5, PMID: 27666373). Splice site prediction tools suggest that this variant may not impact RNA splicing. To our knowledge, functional studies have not been performed for this variant. This variant has not been reported in individuals affected with cardiovascular disorders in the literature. This variant has not been identified in the general population by the Genome Aggregation Database (gnomAD). The available evidence is insufficient to determine the role of this variant in disease conclusively. Therefore, this variant is classified as a Variant of Uncertain Significance.